The following is an entry in ClinVar:

ClinVar aggregate classification (germline): Uncertain significance (1 of 4 stars; one submission).

Allele frequency attached by ClinVar (database versions not stated): gnomAD exomes below 0.00001; TOPMed below 0.00001.

Submission:

Labcorp Genetics (formerly Invitae), Labcorp
Classification: Uncertain significance. Last evaluated: 2025-04-28. Review status: criteria provided, single submitter. Criteria: Invitae Variant Classification Sherloc (09022015). Collection method: clinical testing. Allele origin: germline.
Comment: This sequence change replaces methionine, which is neutral and non-polar, with isoleucine, which is neutral and non-polar, at codon 153 of the NEDD4L protein (p.Met153Ile). The frequency data for this variant in the population databases is considered unreliable, as metrics indicate poor data quality at this position in the gnomAD database. This variant has not been reported in the literature in individuals affected with NEDD4L-related conditions. ClinVar contains an entry for this variant (Variation ID: 842605). Invitae Evidence Modeling of protein sequence and biophysical properties (such as structural, functional, and spatial information, amino acid conservation, physicochemical variation, residue mobility, and thermodynamic stability) indicates that this missense variant is not expected to disrupt NEDD4L protein function with a negative predictive value of 80%. In summary, the available evidence is currently insufficient to determine the role of this variant in disease. Therefore, it has been classified as a Variant of Uncertain Significance.

NM_001144967.3(NEDD4L):c.459G>A (p.Met153Ile)

Gene: NEDD4L (NEDD4 like E3 ubiquitin protein ligase; plus strand). Cytogenetic location: 18q21.31.
Variant type: single nucleotide variant.
Coding change: c.459G>A on transcript NM_001144967.3 (MANE Select); coding-DNA position 459, G replaced by A.
Protein change: p.Met153Ile; replaces methionine 153 with isoleucine.
Molecular consequence: missense variant.
Genome position (GRCh38, 1-based): chr18:58,323,280, G>A. VCF-style: chr18-58323280-G-A. GRCh37 (hg19) VCF-style: chr18-55990512-G-A.
Other names: c.96G>A, p.Met32Ile (NM_001144964.1, NM_001144965.2, NM_001144966.3 and 2 more transcripts); c.435G>A, p.Met145Ile (NM_001144968.2, NM_001144969.2); c.459G>A, p.Met153Ile (NM_001243960.2, NM_015277.6); short protein forms M153I, M32I, M145I.
Identifiers: ClinVar variation 842605 (VCV000842605.9), dbSNP rs1355436205, ClinGen allele CA402552025.